The following is an entry in ClinVar:

ClinVar aggregate classification (germline): Uncertain significance (1 of 4 stars; one submission).

Submission:

Labcorp Genetics (formerly Invitae), Labcorp
Classification: Uncertain significance. Last evaluated: 2024-03-08. Review status: criteria provided, single submitter. Criteria: Invitae Variant Classification Sherloc (09022015). Collection method: clinical testing. Allele origin: germline.
Comment: This sequence change replaces leucine, which is neutral and non-polar, with histidine, which is basic and polar, at codon 1677 of the POLE protein (p.Leu1677His). This variant is not present in population databases (gnomAD no frequency). This variant has not been reported in the literature in individuals affected with POLE-related conditions. Advanced modeling of protein sequence and biophysical properties (such as structural, functional, and spatial information, amino acid conservation, physicochemical variation, residue mobility, and thermodynamic stability) performed at Invitae indicates that this missense variant is expected to disrupt POLE protein function with a positive predictive value of 80%. In summary, the available evidence is currently insufficient to determine the role of this variant in disease. Therefore, it has been classified as a Variant of Uncertain Significance.

NM_006231.4(POLE):c.5030T>A (p.Leu1677His)

Gene: POLE (DNA polymerase epsilon, catalytic subunit; minus strand). Cytogenetic location: 12q24.33.
Variant type: single nucleotide variant.
Coding change: c.5030T>A on transcript NM_006231.4 (MANE Select); coding-DNA position 5030, T replaced by A.
Protein change: p.Leu1677His; replaces leucine 1677 with histidine.
Molecular consequence: missense variant.
Genome position (GRCh38, 1-based): chr12:132,642,320, A>T on the plus strand (T>A on the coding strand, the complement: POLE is on the minus strand). VCF-style: chr12-132642320-A-T. GRCh37 (hg19) VCF-style: chr12-133218906-A-T.
Other names: short protein forms L1677H.
Identifiers: ClinVar variation 3645106 (VCV003645106.2).